The following is an entry in ClinVar:

NM_001458.5(FLNC):c.6883C>T (p.Gln2295Ter)

Genes: FLNC (filamin C; plus strand), FLNC-AS1 (FLNC antisense RNA 1; minus strand). Cytogenetic location: 7q32.1.
Variant type: single nucleotide variant.
Coding change: c.6883C>T on transcript NM_001458.5 (MANE Select); coding-DNA position 6883, C replaced by T.
Protein change: p.Gln2295Ter; replaces glutamine 2295 with a stop codon.
Molecular consequence: nonsense.
Genome position (GRCh38, 1-based): chr7:128,854,568, C>T. VCF-style: chr7-128854568-C-T. GRCh37 (hg19) VCF-style: chr7-128494622-C-T.
Other names: c.6784C>T, p.Gln2262Ter (NM_001127487.2); short protein forms Q2262*, Q2295*.
Identifiers: ClinVar variation 642313 (VCV000642313.10), dbSNP rs1585169831, ClinGen allele CA369214047.

ClinVar aggregate classification (germline): Pathogenic. Review status: criteria provided, multiple submitters, no conflicts (2 of 4 stars). 3 submissions from 3 submitters: Pathogenic (3). Last evaluated 2025-09-11.

Conditions:
Myofibrillar myopathy 5. Also called: FILAMINOPATHY, AUTOSOMAL DOMINANT; Filaminopathy (type). Identifiers: Orphanet 171445, MedGen C1836050, MONDO:0012289, OMIM 609524.
Distal myopathy with posterior leg and anterior hand involvement. Also called: WILLIAMS DISTAL MYOPATHY. Identifiers: Orphanet 63273, MedGen C3279722, MONDO:0013550, OMIM 614065.
Hypertrophic cardiomyopathy 26. Also called: Cardiomyopathy, familial hypertrophic, 26. Identifiers: Orphanet 75249, MedGen C4310749, MONDO:0014883, OMIM 617047.
Cardiovascular phenotype. Identifiers: MedGen CN230736.
Primary dilated cardiomyopathy (DCM). Also called: Dilated Cardiomyopathy. Identifiers: Orphanet 217604, MedGen C0007193, MeSH D002311, MONDO:0005021, HP:0001644. Inheritance: Various modes of inheritance.

Submissions (3):

Ambry Genetics
Classification: Pathogenic for Cardiovascular phenotype. Last evaluated: 2025-09-11. Review status: criteria provided, single submitter. Criteria: Ambry Variant Classification Scheme 2023. Collection method: clinical testing. Allele origin: germline.
Comment: The p.Q2295* pathogenic mutation (also known as c.6883C>T), located in coding exon 41 of the FLNC gene, results from a C to T substitution at nucleotide position 6883. This changes the amino acid from a glutamine to a stop codon within coding exon 41. This variant was reported in individual(s) with features consistent with dilated cardiomyopathy (DCM) (Josephs KS et al. Genome Med, 2024 Oct;16:125). This variant is considered to be rare based on population cohorts in the Genome Aggregation Database (gnomAD). This alteration is expected to result in loss of function by premature protein truncation or nonsense-mediated mRNA decay. As such, this alteration is interpreted as a disease-causing mutation for FLNC-related dilated cardiomyopathy; however, its clinical significance for FLNC-related hypertrophic/restrictive cardiomyopathy and/or skeletal myopathy is uncertain.

Genetics and Molecular Pathology, SA Pathology
Classification: Pathogenic for Primary dilated cardiomyopathy. Last evaluated: 2020-11-25. Review status: criteria provided, single submitter. Criteria: ACMG Guidelines, 2015. Collection method: clinical testing. Allele origin: germline. Affected: yes.

Labcorp Genetics (formerly Invitae), Labcorp
Classification: Pathogenic for Distal myopathy with posterior leg and anterior hand involvement; Myofibrillar myopathy 5; Hypertrophic cardiomyopathy 26. Last evaluated: 2018-08-21. Review status: criteria provided, single submitter. Criteria: Invitae Variant Classification Sherloc (09022015). Collection method: clinical testing. Allele origin: germline.
Comment: This variant has not been reported in the literature in individuals with FLNC-related disease. For these reasons, this variant has been classified as Pathogenic. Loss-of-function variants in FLNC are known to be pathogenic (PMID: 27908349). This variant is not present in population databases (ExAC no frequency). This sequence change creates a premature translational stop signal (p.Gln2295*) in the FLNC gene. It is expected to result in an absent or disrupted protein product.

Literature cited by the submitters: PubMed 39472908 (cited by Ambry Genetics); PubMed 27908349 (cited by Labcorp Genetics (formerly Invitae), Labcorp).